The following is an entry in ClinVar:

NC_000001.10:g.(?_17354234)_(17371393_?)dup

Gene: SDHB (succinate dehydrogenase complex iron sulfur subunit B; minus strand). Cytogenetic location: 1p36.13.
Variant type: Duplication.
Identifiers: ClinVar variation 3247659 (VCV003247659.1).

ClinVar aggregate classification (germline): Uncertain significance (1 of 4 stars; one submission).

Conditions:
Pheochromocytoma. Also called: MAX-Related Hereditary Paraganglioma-Pheochromocytoma Syndrome. Identifiers: Orphanet 29072, MedGen C0031511, MONDO:0008233, OMIM 171300, HP:0002666.
Gastrointestinal stromal tumor. Also called: Gastrointestinal stromal tumor, somatic; Gastrointestinal stroma tumor. Identifiers: Orphanet 44890, MedGen C0238198, MeSH D046152, MONDO:0011719, OMIM 606764, HP:0100723.
Pheochromocytoma/paraganglioma syndrome 4. Also called: CAROTID BODY TUMORS AND MULTIPLE EXTRAADRENAL PHEOCHROMOCYTOMAS; PARAGANGLIOMA, FAMILIAL MALIGNANT; PARAGANGLIOMAS, HEREDITARY EXTRAADRENAL; PHEOCHROMOCYTOMA, FAMILIAL EXTRAADRENAL; Paragangliomas 4; SDHB-Related Hereditary Paraganglioma-Pheochromocytoma Syndrome (Paragangliomas 4). Identifiers: Orphanet 29072, MedGen C1861848, MONDO:0007273, OMIM 115310.

Submission:

Labcorp Genetics (formerly Invitae), Labcorp
Classification: Uncertain significance for Gastrointestinal stromal tumor; Pheochromocytoma/paraganglioma syndrome 4; Pheochromocytoma. Last evaluated: 2023-06-30. Review status: criteria provided, single submitter. Criteria: Invitae Variant Classification Sherloc (09022015). Collection method: clinical testing. Allele origin: unknown.
Comment: This variant results in a copy number gain of the genomic region encompassing exon(s) 2-5 of the SDHB gene. While the exact position of this variant cannot be determined from the data, sub-genic copy number gains are generally in tandem (PMID: 25640679). This variant is predicted to be in-frame, and likely preserves the integrity of the reading frame. This variant has not been reported in the literature in individuals affected with SDHB-related conditions. Experimental studies and prediction algorithms are not available or were not evaluated, and the functional significance of this variant is currently unknown. In summary, the available evidence is currently insufficient to determine the role of this variant in disease. Therefore, it has been classified as a Variant of Uncertain Significance.

Literature cited by the submitters: PubMed 25640679.